The following is an entry in ClinVar:

NM_032242.4(PLXNA1):c.759G>A (p.Glu253=)

Gene: PLXNA1 (plexin A1; plus strand). Cytogenetic location: 3q21.3.
Variant type: single nucleotide variant.
Coding change: c.759G>A on transcript NM_032242.4 (MANE Select); coding-DNA position 759, G replaced by A.
Protein change: p.Glu253=; no amino-acid change (glutamic acid 253 retained).
Molecular consequence: synonymous variant.
Genome position (GRCh38, 1-based): chr3:126,989,352, G>A. VCF-style: chr3-126989352-G-A. GRCh37 (hg19) VCF-style: chr3-126708195-G-A.
Identifiers: ClinVar variation 3357950 (VCV003357950.1).

ClinVar aggregate classification (germline): Likely benign (0 of 4 stars; one submission).

Conditions:
PLXNA1-related disorder. Also called: PLXNA1-related condition.

gnomAD v4.1: 1 of 1,613,672 alleles (0.000062%); highest among the groups gnomAD compares: Non-Finnish European, 0.000085%; no homozygotes.

Submission:

PreventionGenetics, part of Exact Sciences
Classification: Likely benign for PLXNA1-related condition. Last evaluated: 2021-06-17. Review status: no assertion criteria provided. Collection method: clinical testing. Allele origin: germline.
Comment: This variant is classified as likely benign based on ACMG/AMP sequence variant interpretation guidelines (Richards et al. 2015 PMID: 25741868, with internal and published modifications).